The following is an entry in ClinVar:

NM_000070.3(CAPN3):c.-25G>C

Gene: CAPN3 (calpain 3; plus strand). Cytogenetic location: 15q15.1.
Variant type: single nucleotide variant.
Coding change: c.-25G>C on transcript NM_000070.3 (MANE Select); 25 bases upstream of the start codon, G replaced by C.
Molecular consequence: 5 prime UTR variant.
Genome position (GRCh38, 1-based): chr15:42,359,781, G>C. VCF-style: chr15-42359781-G-C. GRCh37 (hg19) VCF-style: chr15-42651979-G-C.
Other names: c.-25G>C (NM_024344.2, NM_173087.2).
Identifiers: ClinVar variation 510005 (VCV000510005.2), dbSNP rs1405523432, ClinGen allele CA618001458.

ClinVar aggregate classification (germline): Likely benign. Review status: reviewed by expert panel (3 of 4 stars). 2 submissions from 2 submitters: Likely benign (1). 1 of the submissions does not count toward it. Last evaluated 2025-01-07.

Conditions:
Autosomal recessive limb-girdle muscular dystrophy. Identifiers: Orphanet 102015, MedGen C2931907, MONDO:0015152.

Allele frequency attached by ClinVar (database versions not stated): gnomAD exomes below 0.00001; gnomAD 0.00002.
gnomAD v4.1: 6 of 1,612,266 alleles (0.00037%); highest among the groups gnomAD compares: Admixed American, 0.005%; no homozygotes.

Submissions (2):

ClinGen Limb Girdle Muscular Dystrophy Variant Curation Expert Panel, ClinGen
Classification: Likely benign for Autosomal recessive limb-girdle muscular dystrophy. Last evaluated: 2025-01-07. Review status: reviewed by expert panel. Criteria: ClinGen LGMD VCEP ACMG Specifications CAPN3 V1.0.0. Collection method: curation. Allele origin: germline. Inheritance: Autosomal recessive inheritance.
Comment: The NM_000070.3: c.-25G>C variant is located in the 5’UTR of CAPN3. Because the variant is located in the 5’UTR, it is not expected to alter the amino acid sequence. The c.-25G>C variant is not predicted by SpliceAI to impact splicing (score 0) (BP4, BP7). The highest minor allele frequency of the variant is 0.0001310 for Admixed American genome alleles in gnomAD v3.1.2 (2/15270), which is greater than the LGMD VCEP threshold (<0.0001) for PM2_Supporting (criterion not met). In summary, this variant meets the criteria to be classified as Likely Benign for autosomal recessive limb girdle muscular dystrophy based on the ACMG/AMP criteria applied, as specified by the ClinGen LGMD VCEP (LGMD VCEP specifications version 1.0.0; 01/07/2025): BP4, BP7.

GeneDx
Classification: Likely benign. Last evaluated: 2017-06-06. Review status: criteria provided, single submitter. Criteria: GeneDx Variant Classification (06012015). Collection method: clinical testing. Allele origin: germline. Affected: yes. Not counted in ClinVar's aggregate classification.
Comment: This variant is considered likely benign or benign based on one or more of the following criteria: it is a conservative change, it occurs at a poorly conserved position in the protein, it is predicted to be benign by multiple in silico algorithms, and/or has population frequency not consistent with disease.